The following is an entry in ClinVar:

NM_152564.5(VPS13B):c.11755G>A (p.Val3919Ile)

Gene: VPS13B (vacuolar protein sorting 13 homolog B; plus strand). Cytogenetic location: 8q22.2.
Variant type: single nucleotide variant.
Coding change: c.11755G>A on transcript NM_152564.5 (MANE Select); coding-DNA position 11755, G replaced by A.
Protein change: p.Val3919Ile; replaces valine 3919 with isoleucine.
Molecular consequence: missense variant.
Genome position (GRCh38, 1-based): chr8:99,875,427, G>A. VCF-style: chr8-99875427-G-A. GRCh37 (hg19) VCF-style: chr8-100887655-G-A.
Other names: c.11830G>A, p.Val3944Ile (NM_017890.5); short protein forms V3944I, V3919I.
Identifiers: ClinVar variation 1475791 (VCV001475791.6), dbSNP rs2130990099, ClinGen allele CA371795480.
Genomic context (GRCh38, chr8:99,875,427, plus strand): 5'-GGAACTCTCGTAAGGGTCTGGCAACTAATCTTTATTATTTTTGGATCCTAGGTAGATGGA[G>A]TCCGAGAGAGACTGTCAGAGCAACAGTACAACAGACTGGTGGACTACATCACAAAGACAT-3'
Protein context (NP_689777.3, residues 3909-3929): RVACDVEVDG[Val3919Ile]RERLSEQQYN

ClinVar aggregate classification (germline): Uncertain significance (1 of 4 stars; one submission).

Conditions:
Cohen syndrome (COH1). Also called: PEPPER SYNDROME; Cutis verticis gyrata, retinitis pigmentosa, and sensorineural deafness. Identifiers: Orphanet 193, MedGen C0265223, MONDO:0008999, OMIM 216550.

Submission:

Labcorp Genetics (formerly Invitae), Labcorp
Classification: Uncertain significance for Cohen syndrome. Last evaluated: 2022-03-19. Review status: criteria provided, single submitter. Criteria: Invitae Variant Classification Sherloc (09022015). Collection method: clinical testing. Allele origin: germline.
Comment: In summary, the available evidence is currently insufficient to determine the role of this variant in disease. Therefore, it has been classified as a Variant of Uncertain Significance. Algorithms developed to predict the effect of missense changes on protein structure and function are either unavailable or do not agree on the potential impact of this missense change (SIFT: "Not Available"; PolyPhen-2: "Benign"; Align-GVGD: "Not Available"). This variant has not been reported in the literature in individuals affected with VPS13B-related conditions. This variant is not present in population databases (gnomAD no frequency). This sequence change replaces valine with isoleucine at codon 3944 of the VPS13B protein (p.Val3944Ile). The valine residue is weakly conserved and there is a small physicochemical difference between valine and isoleucine.